The following is an entry in ClinVar:

NM_014339.7(IL17RA):c.-50T>C

Genes: IL17RA (interleukin 17 receptor A; plus strand), LOC130066894 (ATAC-STARR-seq lymphoblastoid silent region 13430; plus strand). Cytogenetic location: 22q11.1.
Variant type: single nucleotide variant.
Coding change: c.-50T>C on transcript NM_014339.7 (MANE Select); 50 bases upstream of the start codon, T replaced by C.
Molecular consequence: 5 prime UTR variant.
Genome position (GRCh38, 1-based): chr22:17,085,042, T>C. VCF-style: chr22-17085042-T-C. GRCh37 (hg19) VCF-style: chr22-17565932-T-C.
Other names: c.-50T>C (NM_001289905.2).
Identifiers: ClinVar variation 340557 (VCV000340557.8), dbSNP rs917864, ClinGen allele CA10086195.

ClinVar aggregate classification (germline): Benign. Review status: criteria provided, multiple submitters, no conflicts (2 of 4 stars). 2 submissions from 2 submitters: Benign (2). Last evaluated 2024-01-24.

Allele frequency attached by ClinVar (database versions not stated): gnomAD exomes 0.80381 and 0.80256; TOPMed 0.82106; gnomAD 0.83264 and 0.84062; 1000 Genomes Project 30x 0.77202; 1000 Genomes Project 0.77496; ExAC 0.79412.
gnomAD v4.1: 1,046,212 of 1,296,336 alleles (81%); highest among the groups gnomAD compares: African/African-American, 96%; 424,317 homozygotes.

Submissions (2):

Unidad de Genómica Garrahan, Hospital de Pediatría Garrahan
Classification: Benign. Last evaluated: 2024-01-24. Review status: criteria provided, single submitter. Criteria: ACMG Guidelines, 2015. Collection method: clinical testing. Allele origin: germline. Affected: no. Observed: 86 variant alleles.
Comment: This variant is classified as Benign based on local population frequency. This variant was detected in 91% of patients studied by a panel of primary immunodeficiencies. Number of patients: 86. Only high quality variants are reported.

Breakthrough Genomics
Classification: Benign. Review status: criteria provided, single submitter. Criteria: ACMG Guidelines, 2015. Collection method: not provided. Allele origin: germline. Inheritance: Autosomal recessive inheritance. Affected: yes.